The following is an entry in ClinVar:

NM_006231.4(POLE):c.1145G>C (p.Ser382Thr)

Gene: POLE (DNA polymerase epsilon, catalytic subunit; minus strand). Cytogenetic location: 12q24.33.
Variant type: single nucleotide variant.
Coding change: c.1145G>C on transcript NM_006231.4 (MANE Select); coding-DNA position 1145, G replaced by C.
Protein change: p.Ser382Thr; replaces serine 382 with threonine.
Molecular consequence: missense variant.
Genome position (GRCh38, 1-based): chr12:132,675,479, C>G on the plus strand (G>C on the coding strand, the complement: POLE is on the minus strand). VCF-style: chr12-132675479-C-G. GRCh37 (hg19) VCF-style: chr12-133252065-C-G.
Other names: short protein forms S382T.
Identifiers: ClinVar variation 945125 (VCV000945125.12), dbSNP rs761600715, ClinGen allele CA387361055.
Genomic context (GRCh38, chr12:132,675,479, plus strand): 5'-CACTGGGGCGCCTTGTACTCCCCCTGGCTGTCCTTCTGGAAGCCTATCTCCTGCTGCATG[C>G]TCAGACCGTGGACTGCTGCCCGGGCCTCCACAAATGGCCTGGGTTGGAAAGAGGACAGAC-3'
Protein context (NP_006222.2, residues 372-392): VEARAAVHGL[Ser382Thr]MQQEIGFQKD

ClinVar aggregate classification (germline): Conflicting classifications of pathogenicity. Review status: criteria provided, conflicting classifications (1 of 4 stars). 2 submissions from 2 submitters: Uncertain significance (1); Likely benign (1). Last evaluated 2023-12-06.

Conditions:
Hereditary cancer-predisposing syndrome. Also called: Neoplastic Syndromes, Hereditary; Hereditary Cancer Syndrome; Tumor predisposition; Hereditary neoplastic syndrome. Identifiers: Orphanet 140162, MedGen C0027672, MeSH D009386, MONDO:0015356.

gnomAD v4.1: 2 of 1,614,184 alleles (0.00012%); highest among the groups gnomAD compares: Non-Finnish European, 0.00017%; no homozygotes.

Submissions (2):

Ambry Genetics
Classification: Likely benign for Hereditary cancer-predisposing syndrome. Last evaluated: 2023-12-06. Review status: criteria provided, single submitter. Criteria: Ambry Variant Classification Scheme 2023. Collection method: clinical testing. Allele origin: germline.

Labcorp Genetics (formerly Invitae), Labcorp
Classification: Uncertain significance. Last evaluated: 2022-09-15. Review status: criteria provided, single submitter. Criteria: Invitae Variant Classification Sherloc (09022015). Collection method: clinical testing. Allele origin: germline.
Comment: In summary, the available evidence is currently insufficient to determine the role of this variant in disease. Therefore, it has been classified as a Variant of Uncertain Significance. Advanced modeling of protein sequence and biophysical properties (such as structural, functional, and spatial information, amino acid conservation, physicochemical variation, residue mobility, and thermodynamic stability) performed at Invitae indicates that this missense variant is not expected to disrupt POLE protein function. This sequence change replaces serine, which is neutral and polar, with threonine, which is neutral and polar, at codon 382 of the POLE protein (p.Ser382Thr). This variant is not present in population databases (gnomAD no frequency). This variant has not been reported in the literature in individuals affected with POLE-related conditions. ClinVar contains an entry for this variant (Variation ID: 945125).